The following is an entry in ClinVar:

NM_003072.5(SMARCA4):c.4758C>G (p.Ser1586=)

Gene: SMARCA4 (SWI/SNF related BAF chromatin remodeling complex subunit ATPase 4; plus strand). Cytogenetic location: 19p13.2.
Variant type: single nucleotide variant.
Coding change: c.4758C>G on transcript NM_003072.5 (MANE Select); coding-DNA position 4758, C replaced by G.
Protein change: p.Ser1586=; no amino-acid change (serine 1586 retained).
Molecular consequence: synonymous variant. On other transcripts: non-coding transcript variant (1).
Genome position (GRCh38, 1-based): chr19:11,059,875, C>G. VCF-style: chr19-11059875-C-G. GRCh37 (hg19) VCF-style: chr19-11170551-C-G.
Other names: c.4758C>G, p.Ser1586= (NM_001128844.3); c.4668C>G, p.Ser1556= (NM_001128845.2); c.4665C>G, p.Ser1555= (NM_001128846.2); c.4659C>G, p.Ser1553= (NM_001128847.4, NM_001374457.1); c.4656C>G, p.Ser1552= (NM_001128848.2); c.4854C>G, p.Ser1618= (NM_001128849.3, NM_001387283.1); c.4755C>G, p.Ser1585= (NM_001411150.1).
Identifiers: ClinVar variation 2012408 (VCV002012408.5), dbSNP rs199723473, ClinGen allele CA505495262.

ClinVar aggregate classification (germline): Benign/Likely benign. Review status: criteria provided, multiple submitters, no conflicts (2 of 4 stars). 2 submissions from 2 submitters: Benign (1); Likely benign (1). Last evaluated 2026-07-23.

Conditions:
Rhabdoid tumor predisposition syndrome 2 (RTPS2). Identifiers: Orphanet 231108, Orphanet 69077, MedGen C2750074, MONDO:0013224, OMIM 613325.

gnomAD v4.1: 5 of 1,613,888 alleles (0.00031%); highest among the groups gnomAD compares: Non-Finnish European, 0.00034%; no homozygotes.

Submissions (2):

Myriad Genetics, Inc.
Classification: Benign for Rhabdoid tumor predisposition syndrome 2. Last evaluated: 2026-07-23. Review status: criteria provided, single submitter. Criteria: Myriad Autosomal Dominant, Autosomal Recessive and X-Linked Classification Criteria (2023). Collection method: clinical testing. Allele origin: unknown.
Comment: This variant is considered benign. This variant is a silent/synonymous amino acid change and it is not expected to impact splicing.

Labcorp Genetics (formerly Invitae), Labcorp
Classification: Likely benign for Rhabdoid tumor predisposition syndrome 2. Last evaluated: 2023-07-30. Review status: criteria provided, single submitter. Criteria: Invitae Variant Classification Sherloc (09022015). Collection method: clinical testing. Allele origin: germline.